The following is an entry in ClinVar:

ClinVar aggregate classification (germline): Uncertain significance (1 of 4 stars; one submission).

Conditions:
Cardiovascular phenotype. Identifiers: MedGen CN230736.

Submission:

Ambry Genetics
Classification: Uncertain significance for Cardiovascular phenotype. Last evaluated: 2026-07-01. Review status: criteria provided, single submitter. Criteria: Ambry Variant Classification Scheme 2023. Collection method: clinical testing. Allele origin: germline.
Comment: The p.I4890L variant (also known as c.14668A>C), located in coding exon 103 of the RYR2 gene, results from an A to C substitution at nucleotide position 14668. The isoleucine at codon 4890 is replaced by leucine, an amino acid with highly similar properties. This amino acid position is conserved. In addition, this alteration is predicted to be deleterious by in silico analysis. Based on the available evidence, the clinical significance of this variant remains unclear.

NM_001035.3(RYR2):c.14668A>C (p.Ile4890Leu)

Gene: RYR2 (ryanodine receptor 2; plus strand). Cytogenetic location: 1q43.
Variant type: single nucleotide variant.
Coding change: c.14668A>C on transcript NM_001035.3 (MANE Select); coding-DNA position 14668, A replaced by C.
Protein change: p.Ile4890Leu; replaces isoleucine 4890 with leucine.
Molecular consequence: missense variant.
Genome position (GRCh38, 1-based): chr1:237,830,542, A>C. VCF-style: chr1-237830542-A-C. GRCh37 (hg19) VCF-style: chr1-237993842-A-C.
Other names: short protein forms I4890L.
Identifiers: ClinVar variation 5028670 (VCV005028670.1).